The following is an entry in ClinVar:

ClinVar aggregate classification (germline): Uncertain significance (1 of 4 stars; one submission).

Submission:

Women's Health and Genetics/Laboratory Corporation of America, LabCorp
Classification: Uncertain significance. Last evaluated: 2022-10-31. Review status: criteria provided, single submitter. Criteria: LabCorp Variant Classification Summary - May 2015. Collection method: clinical testing. Allele origin: germline.
Comment: Variant summary: The variant identified by MLPA or other technology involves the duplication of exons 64-79, which includes the last exon of the DMD gene. The exact breakpoint at the 3' end of this variant is unknown and therefore this duplication might extend beyond the assayed region of the DMD gene. A presumed nomenclature of c.(9286+1_9287-1)_(*2692_?)dup has been designated for the purposes of this classification. It has been assumed that this is a tandem duplication in direct orientation (Richardson_GIM_2018, Newman_AJHG_2015). The variant was absent in 16120 control chromosomes (gnomAD, structural variants dataset). The available data on variant occurrences in the general population are insufficient to allow any conclusion about variant significance. The duplication of exons 64-79 has been reported in the literature in an individual affected with autism spectrum disorder, mild intellectual disability and delayed gross motor skills, however they did not have features strongly suggestive of Duchenne Muscular Dystrophy (e.g. Qiao_2013). An exon 64-79 duplication has also been reported in two individuals with a clinical diagnosis of Duchenne Muscular Dystrophy who had other co-occurring variants in the DMD gene (non-contiguous duplications of exons 44-48 and 51-59; deletion of exon 51; Carsana_2010, Zhang_2021), at least one of which has been classified as pathogenic by our laboratory, providing supporting evidence for a benign role for the exon 64-79 duplication. To our knowledge, no experimental evidence demonstrating an impact on protein function has been reported. Two similar variants resulting in exons 64-79 duplication ((chrX:30892354-31250086)x2, (chrX:30869943-31263793)x2) have been submitted to ClinVar database with a classification of Uncertain significance. Based on the evidence outlined above, the variant was classified as VUS-possibly benign.

Literature cited by the submitters: PubMed 20036901; PubMed 34679607; PubMed 22369279; PubMed 33910603.

NC_000023.10:g.(?_31137344)_(31241239_31279071)dup

Gene: DMD (dystrophin; minus strand). Cytogenetic location: Xp21.2.
Variant type: Duplication.
Identifiers: ClinVar variation 1723438 (VCV001723438.1).